The following is an entry in ClinVar:

ClinVar aggregate classification (germline): Uncertain significance. Review status: criteria provided, multiple submitters, no conflicts (2 of 4 stars). 3 submissions from 3 submitters: Uncertain significance (3). Last evaluated 2025-09-08.

Conditions:
Hereditary cancer-predisposing syndrome. Also called: Neoplastic Syndromes, Hereditary; Hereditary Cancer Syndrome; Tumor predisposition; Hereditary neoplastic syndrome. Identifiers: Orphanet 140162, MedGen C0027672, MeSH D009386, MONDO:0015356.
Familial cancer of breast. Also called: Hereditary breast cancer; hereditary breast carcinoma; BREAST CANCER, FAMILIAL. Identifiers: Orphanet 227535, MedGen C0346153, MONDO:0016419, OMIM 114480. Disease mechanism: loss of function.

gnomAD v4.1: 3 of 1,602,678 alleles (0.00019%); highest among the groups gnomAD compares: South Asian, 0.0011%; no homozygotes.

Submissions (3):

Labcorp Genetics (formerly Invitae), Labcorp
Classification: Uncertain significance for Familial cancer of breast. Last evaluated: 2025-09-08. Review status: criteria provided, single submitter. Criteria: Invitae Variant Classification Sherloc (09022015). Collection method: clinical testing. Allele origin: germline.
Comment: This sequence change replaces alanine, which is neutral and non-polar, with valine, which is neutral and non-polar, at codon 23 of the BARD1 protein (p.Ala23Val). This variant is not present in population databases (gnomAD no frequency). This variant has not been reported in the literature in individuals affected with BARD1-related conditions. ClinVar contains an entry for this variant (Variation ID: 853610). An algorithm developed to predict the effect of missense changes on protein structure and function outputs the following: PolyPhen-2: "Benign". The valine amino acid residue is found in multiple mammalian species, which suggests that this missense change does not adversely affect protein function. In summary, the available evidence is currently insufficient to determine the role of this variant in disease. Therefore, it has been classified as a Variant of Uncertain Significance.

Color Diagnostics, LLC DBA Color Health
Classification: Uncertain significance for Hereditary cancer-predisposing syndrome. Last evaluated: 2023-12-04. Review status: criteria provided, single submitter. Criteria: ACMG Guidelines, 2015. Collection method: clinical testing. Allele origin: germline.
Comment: This missense variant replaces alanine with valine at codon 23 of the BARD1 protein. Computational prediction suggests that this variant may not impact protein structure and function (internally defined REVEL score threshold <= 0.5, PMID: 27666373). To our knowledge, functional studies have not been reported for this variant. This variant has not been reported in individuals affected with BARD1-related disorders in the literature. This variant has not been identified in the general population by the Genome Aggregation Database (gnomAD). The available evidence is insufficient to determine the role of this variant in disease conclusively. Therefore, this variant is classified as a Variant of Uncertain Significance.

Ambry Genetics
Classification: Uncertain significance for Hereditary cancer-predisposing syndrome. Last evaluated: 2019-12-19. Review status: criteria provided, single submitter. Criteria: Ambry Variant Classification Scheme 2023. Collection method: clinical testing. Allele origin: germline.
Comment: The p.A23V variant (also known as c.68C>T), located in coding exon 1 of the BARD1 gene, results from a C to T substitution at nucleotide position 68. The alanine at codon 23 is replaced by valine, an amino acid with similar properties. This amino acid position is not well conserved in available vertebrate species. In addition, this alteration is predicted to be tolerated by in silico analysis. Since supporting evidence is limited at this time, the clinical significance of this alteration remains unclear.

NM_000465.4(BARD1):c.68C>T (p.Ala23Val)

Gene: BARD1 (BRCA1 associated RING domain 1; minus strand). Cytogenetic location: 2q35.
Variant type: single nucleotide variant.
Coding change: c.68C>T on transcript NM_000465.4 (MANE Select); coding-DNA position 68, C replaced by T.
Protein change: p.Ala23Val; replaces alanine 23 with valine.
Molecular consequence: missense variant. On other transcripts: non-coding transcript variant (3).
Genome position (GRCh38, 1-based): chr2:214,809,502, G>A on the plus strand (C>T on the coding strand, the complement: BARD1 is on the minus strand). VCF-style: chr2-214809502-G-A. GRCh37 (hg19) VCF-style: chr2-215674226-G-A.
Other names: c.68C>T, p.Ala23Val (NM_001282543.2, NM_001282545.2, NM_001282548.2 and 1 more transcripts); c.68C>T (NM_000465.2); short protein forms A23V.
Identifiers: ClinVar variation 853610 (VCV000853610.17), dbSNP rs1696467337, ClinGen allele CA350465173.